The following is an entry in ClinVar:

NM_005585.5(SMAD6):c.322_323delinsTA (p.Ala108Ter)

Gene: SMAD6 (SMAD family member 6; plus strand). Cytogenetic location: 15q22.31.
Variant type: Indel.
Coding change: c.322_323delinsTA on transcript NM_005585.5 (MANE Select); coding-DNA positions 322 to 323, GC replaced by TA.
Protein change: p.Ala108Ter; replaces alanine 108 with a stop codon.
Molecular consequence: nonsense. On other transcripts: non-coding transcript variant (1).
Genome position (GRCh38, 1-based): chr15:66,703,580-66,703,581, GC replaced by TA. VCF-style: chr15-66703580-GC-TA. GRCh37 (hg19) VCF-style: chr15-66995918-GC-TA.
Other names: short protein forms A108*.
Identifiers: ClinVar variation 3723543 (VCV003723543.2).

ClinVar aggregate classification (germline): Uncertain significance (1 of 4 stars; one submission).

Conditions:
Aortic valve disease 2 (AOVD2). Identifiers: MedGen C3542024, MONDO:0013902, OMIM 614823.

Submission:

Labcorp Genetics (formerly Invitae), Labcorp
Classification: Uncertain significance for Aortic valve disease 2. Last evaluated: 2024-10-22. Review status: criteria provided, single submitter. Criteria: Invitae Variant Classification Sherloc (09022015). Collection method: clinical testing. Allele origin: germline.
Comment: This sequence change creates a premature translational stop signal (p.Ala108*) in the SMAD6 gene. It is expected to result in an absent or disrupted protein product. However, the current clinical and genetic evidence is not sufficient to establish whether loss-of-function variants in SMAD6 cause disease. Information on the frequency of this variant in the gnomAD database is not available, as this variant may be reported differently in the database. This variant has not been reported in the literature in individuals affected with SMAD6-related conditions. In summary, the available evidence is currently insufficient to determine the role of this variant in disease. Therefore, it has been classified as a Variant of Uncertain Significance.